The following is an entry in ClinVar:

ClinVar aggregate classification (germline): Benign/Likely benign. Review status: criteria provided, multiple submitters, no conflicts (2 of 4 stars). 9 submissions from 9 submitters: Benign (6); Likely benign (2). 1 of the submissions does not count toward it. Last evaluated 2026-02-04.

Conditions:
COMPLEMENT COMPONENT 8, ALPHA SUBUNIT, A/B POLYMORPHISM.
Type I complement component 8 deficiency. Also called: COMPLEMENT C8 DEFICIENCY, TYPE I; C8AG DEFICIENCY; C8 ALPHA-GAMMA DEFICIENCY. Identifiers: MedGen C3151081, MONDO:0013422, OMIM 613790.

Allele frequency attached by ClinVar (database versions not stated): TOPMed 0.30952; gnomAD 0.31666 and 0.32517; ESP Exome Variant Server 0.32093; 1000 Genomes Project 30x 0.33635; 1000 Genomes Project 0.34365; gnomAD exomes 0.36527 and 0.38098; ExAC 0.36838.
gnomAD v4.1: 605,649 of 1,612,406 alleles (38%); highest among the groups gnomAD compares: South Asian, 50%; 117,359 homozygotes.

Submissions (9):

Labcorp Genetics (formerly Invitae), Labcorp
Classification: Benign. Last evaluated: 2026-02-04. Review status: criteria provided, single submitter. Criteria: Invitae Variant Classification Sherloc (09022015). Collection method: clinical testing. Allele origin: germline.

Women's Health and Genetics/Laboratory Corporation of America, LabCorp
Classification: Likely benign. Last evaluated: 2026-01-21. Review status: criteria provided, single submitter. Criteria: LabCorp Variant Classification Summary - May 2015. Collection method: clinical testing. Allele origin: germline.

Blueprint Genetics
Classification: Likely benign. Last evaluated: 2024-11-26. Review status: criteria provided, single submitter. Criteria: ACMG Guidelines, 2015. Collection method: clinical testing. Allele origin: germline.

Genome-Nilou Lab
Classification: Benign for Type I complement component 8 deficiency. Last evaluated: 2023-04-11. Review status: criteria provided, single submitter. Criteria: ACMG Guidelines, 2015. Collection method: clinical testing. Allele origin: germline. Affected: no.

Mayo Clinic Laboratories, Mayo Clinic
Classification: Benign. Last evaluated: 2022-09-06. Review status: criteria provided, single submitter. Criteria: ACMG Guidelines, 2015. Collection method: clinical testing. Allele origin: germline. Observed: 45 variant alleles.

GeneDx
Classification: Benign. Last evaluated: 2019-05-03. Review status: criteria provided, single submitter. Criteria: GeneDx Variant Classification Process June 2021. Collection method: clinical testing. Allele origin: germline. Affected: yes.

Laboratory for Molecular Medicine, Mass General Brigham Personalized Medicine
Classification: Benign. Last evaluated: 2016-03-28. Review status: criteria provided, single submitter. Criteria: LMM Criteria. Collection method: clinical testing. Allele origin: germline.
Comment: Variant identified in a genome or exome case(s) and assessed due to predicted null impact of the variant or pathogenic assertions in the literature or databases. Disclaimer: This variant has not undergone full assessment. The following are preliminary notes: Frequency, described by Zhang 1995 as complement component polymorphism

Breakthrough Genomics
Classification: Benign. Review status: criteria provided, single submitter. Criteria: ACMG Guidelines, 2015. Collection method: not provided. Allele origin: germline. Inheritance: Autosomal recessive inheritance. Affected: yes.

OMIM
Classification: Benign for COMPLEMENT COMPONENT 8, ALPHA SUBUNIT, A/B POLYMORPHISM. Last evaluated: 1995-09-01. Review status: no assertion criteria provided. Collection method: literature only. Allele origin: germline. Not counted in ClinVar's aggregate classification.

Literature cited by the submitters: PubMed 7649542 (cited by OMIM).

NM_000562.3(C8A):c.277C>A (p.Gln93Lys)

Gene: C8A (complement C8 alpha chain; plus strand). Cytogenetic location: 1p32.2.
Variant type: single nucleotide variant.
Coding change: c.277C>A on transcript NM_000562.3 (MANE Select); coding-DNA position 277, C replaced by A.
Protein change: p.Gln93Lys; replaces glutamine 93 with lysine.
Molecular consequence: missense variant.
Genome position (GRCh38, 1-based): chr1:56,875,054, C>A. VCF-style: chr1-56875054-C-A. GRCh37 (hg19) VCF-style: chr1-57340727-C-A.
Other names: C8A, GLN-LYS; short protein forms Q93K.
Identifiers: ClinVar variation 17039 (VCV000017039.19), dbSNP rs652785, ClinGen allele CA127037.
Genomic context (GRCh38, chr1:56,875,054, plus strand): 5'-ATCTGCAGTGGTGACATCTGGGATCAAGCCAGCTGCTCCAGTTCTACAACTTGTGTAAGG[C>A]AAGCACAGTGTGGACAGGATTTCCAGTGTAAGGAGACAGGTGAGTAGCATTTCAGCAGAA-3'
Protein context (NP_000553.1, residues 83-103): SCSSSTTCVR[Gln93Lys]AQCGQDFQCK